The following is an entry in ClinVar:

ClinVar aggregate classification (germline): Uncertain significance (1 of 4 stars; one submission).

Conditions:
Spermatogenic failure 18. Identifiers: MedGen C4539783, MONDO:0054615, OMIM 617576.
Ciliary dyskinesia, primary, 37 (CILD37). Also called: CILIARY DYSKINESIA, PRIMARY, 37, WITH OR WITHOUT SITUS INVERSUS. Identifiers: MedGen C4539798, MONDO:0033204, OMIM 617577.

Allele frequency attached by ClinVar (database versions not stated): TOPMed below 0.00001; gnomAD 0.00001 and 0.00003; gnomAD exomes 0.00003 and 0.00004; ExAC 0.00004.
gnomAD v4.1: 44 of 1,613,978 alleles (0.0027%); highest among the groups gnomAD compares: South Asian, 0.037%; no homozygotes.

Submission:

Labcorp Genetics (formerly Invitae), Labcorp
Classification: Uncertain significance for Ciliary dyskinesia, primary, 37; Spermatogenic failure 18. Last evaluated: 2022-06-27. Review status: criteria provided, single submitter. Criteria: Invitae Variant Classification Sherloc (09022015). Collection method: clinical testing. Allele origin: germline.
Comment: This sequence change replaces arginine, which is basic and polar, with cysteine, which is neutral and slightly polar, at codon 3384 of the DNAH1 protein (p.Arg3384Cys). This variant is present in population databases (rs775624344, gnomAD 0.03%). This variant has not been reported in the literature in individuals affected with DNAH1-related conditions. ClinVar contains an entry for this variant (Variation ID: 478380). Algorithms developed to predict the effect of missense changes on protein structure and function are either unavailable or do not agree on the potential impact of this missense change (SIFT: "Deleterious"; PolyPhen-2: "Possibly Damaging"; Align-GVGD: "Class C0"). In summary, the available evidence is currently insufficient to determine the role of this variant in disease. Therefore, it has been classified as a Variant of Uncertain Significance.

NM_015512.5(DNAH1):c.10150C>T (p.Arg3384Cys)

Gene: DNAH1 (dynein axonemal heavy chain 1; plus strand). Cytogenetic location: 3p21.1.
Variant type: single nucleotide variant.
Coding change: c.10150C>T on transcript NM_015512.5 (MANE Select); coding-DNA position 10150, C replaced by T.
Protein change: p.Arg3384Cys; replaces arginine 3384 with cysteine.
Molecular consequence: missense variant.
Genome position (GRCh38, 1-based): chr3:52,392,561, C>T. VCF-style: chr3-52392561-C-T. GRCh37 (hg19) VCF-style: chr3-52426577-C-T.
Other names: short protein forms R3384C.
Identifiers: ClinVar variation 478380 (VCV000478380.2), dbSNP rs775624344, ClinGen allele CA2435720.